The following is an entry in ClinVar:

NM_000053.4(ATP7B):c.865C>T (p.Gln289Ter)

Gene: ATP7B (ATPase copper transporting beta; minus strand). Cytogenetic location: 13q14.3.
Variant type: single nucleotide variant.
Coding change: c.865C>T on transcript NM_000053.4 (MANE Select); coding-DNA position 865, C replaced by T.
Protein change: p.Gln289Ter; replaces glutamine 289 with a stop codon.
Molecular consequence: nonsense. On other transcripts: intron variant (1).
Genome position (GRCh38, 1-based): chr13:51,974,355, G>A on the plus strand (C>T on the coding strand, the complement: ATP7B is on the minus strand). VCF-style: chr13-51974355-G-A. GRCh37 (hg19) VCF-style: chr13-52548491-G-A.
Other names: c.865C>T, p.Gln289Ter (NM_001005918.3, NM_001330578.2, NM_001330579.2); c.802+63C>T (NM_001243182.2); short protein forms Q289*.
Identifiers: ClinVar variation 3864 (VCV000003864.35), dbSNP rs121907999, ClinGen allele CA252900.

ClinVar aggregate classification (germline): Pathogenic/Likely pathogenic. Review status: criteria provided, multiple submitters, no conflicts (2 of 4 stars). 19 submissions from 19 submitters: Pathogenic (16); Likely pathogenic (1). 2 of the submissions do not count toward it. Last evaluated 2026-09-04.

Conditions:
ATP7B-related disorder. Also called: ATP7B-related condition.
Wilson disease (WND). Also called: Wilson's disease. Identifiers: Orphanet 905, MedGen C0019202, MONDO:0010200, OMIM 277900. Disease mechanism: loss of function.

Allele frequency attached by ClinVar (database versions not stated): TOPMed below 0.00001; gnomAD exomes 0.00002 and 0.00003; ExAC 0.00004.
gnomAD v4.1: 30 of 1,613,996 alleles (0.0019%); highest among the groups gnomAD compares: South Asian, 0.0055%; no homozygotes.

Submissions 1 to 12 of 19:

PreventionGenetics, part of Exact Sciences
Classification: Pathogenic for ATP7B-related condition. Last evaluated: 2026-09-04. Review status: criteria provided, single submitter. Criteria: ACMG Guidelines, 2015. Collection method: clinical testing. Allele origin: germline.
Comment: The ATP7B c.865C>T variant is predicted to result in premature protein termination (p.Gln289*). This variant has been reported to be causative for Wilson disease in multiple individuals (see for example: Waldenstrom et al 1996. PubMed ID: 8938442; Manolaki et al. 2009. PubMed ID: 19172127; Dedoussis et al. 2005. PubMed ID: 15845031; Panagiotakaki et al. 2004. PubMed ID: 15523622). This variant is reported in 0.0054% of alleles in individuals of European (Non-Finnish) descent in gnomAD. Nonsense variants in ATP7B are expected to be pathogenic. This variant is interpreted as pathogenic.

Labcorp Genetics (formerly Invitae), Labcorp
Classification: Pathogenic for Wilson disease. Last evaluated: 2026-01-18. Review status: criteria provided, single submitter. Criteria: Invitae Variant Classification Sherloc (09022015). Collection method: clinical testing. Allele origin: germline.
Comment: This sequence change creates a premature translational stop signal (p.Gln289*) in the ATP7B gene. It is expected to result in an absent or disrupted protein product. Loss-of-function variants in ATP7B are known to be pathogenic (PMID: 10441329, 16283883). This variant is present in population databases (rs121907999, gnomAD 0.005%). This premature translational stop signal has been observed in individual(s) with Wilson disease (PMID: 15523622, 15845031, 18403153, 19172127). In at least one individual the data is consistent with being in trans (on the opposite chromosome) from a pathogenic variant. It has also been observed to segregate with disease in related individuals. ClinVar contains an entry for this variant (Variation ID: 3864). Algorithms developed to predict the effect of sequence changes on RNA splicing suggest that this variant may create or strengthen a splice site. For these reasons, this variant has been classified as Pathogenic.

CeGaT Center for Human Genetics Tuebingen
Classification: Pathogenic. Last evaluated: 2025-12-01. Review status: criteria provided, single submitter. Criteria: CeGaT Center For Human Genetics Tuebingen Variant Classification Criteria Version 2. Collection method: clinical testing. Allele origin: germline. Affected: yes. Observed: 1 variant allele.
Comment: ATP7B: PM3:Very Strong, PVS1, PM2, PP4:Moderate

Natera, Inc.
Classification: Pathogenic for Wilson disease. Last evaluated: 2025-09-29. Review status: criteria provided, single submitter. Criteria: Natera Variant Classification Schema (03/2026). Collection method: clinical testing. Allele origin: germline.
Comment: The c.865C>T variant in ATP7B is a nonsense variant predicted to introduce a stop codon at amino acid 289. This variant is expected to result in nonsense mediated decay, truncation, or a dysfunctional protein product. This variant is rare in the general population with a frequency below the threshold expected for the associated phenotype(s). This variant has been observed in one or more individuals affected with the associated recessive disease, as either homozygous or compound heterozygous with a second variant (PMID: 19172127). Given the available evidence, this variant is classified as Pathogenic.

ARUP Laboratories, Molecular Genetics and Genomics, ARUP Laboratories
Classification: Pathogenic for Wilson disease. Last evaluated: 2025-04-21. Review status: criteria provided, single submitter. Criteria: ARUP Molecular Germline Variant Investigation Process 2024. Collection method: clinical testing. Allele origin: germline.
Comment: The ATP7B c.865C>T; p.Gln289Ter variant (rs121907999) is reported in the literature in homozygous and compound heterozygous individuals affected with Wilson disease (Couchonnal 2021, Manolaki 2009, Nayagam 2023, Panagiotakaki 2004, Waldenstrom 1996). This variant is also reported in ClinVar (Variation ID: 3864) and is found in the general population with an overall allele frequency of 0.003% (7/248088 alleles) in the Genome Aggregation Database (v2.1.1). This variant induces an early termination codon and is predicted to result in a truncated protein or mRNA subject to nonsense-mediated decay. Based on available information, this variant is considered to be pathogenic. References: Couchonnal E et al. ATP7B variant spectrum in a French pediatric Wilson disease cohort. Eur J Med Genet. 2021 Oct;64(10):104305. PMID: 34400371. Manolaki N et al. Wilson disease in children: analysis of 57 cases. J Pediatr Gastroenterol Nutr. 2009 Jan;48(1):72-7. PMID: 19172127. Nayagam JS et al. ATP7B Genotype and Chronic Liver Disease Treatment Outcomes in Wilson Disease: Worse Survival With Loss-of-Function Variants. Clin Gastroenterol Hepatol. 2023 May;21(5):1323-1329.e4. PMID: 36096368. Panagiotakaki E et al. Genotype-phenotype correlations for a wide spectrum of mutations in the Wilson disease gene (ATP7B). Am J Med Genet A. 2004 Dec 1;131(2):168-73. PMID: 15523622. Waldenstrom E et al. Efficient detection of mutations in Wilson disease by manifold sequencing. Genomics. 1996 Nov 1;37(3):303-9. PMID: 8938442.

Baylor Genetics
Classification: Pathogenic for Wilson disease. Last evaluated: 2024-03-12. Review status: criteria provided, single submitter. Criteria: ACMG Guidelines, 2015. Collection method: clinical testing. Allele origin: unknown.

Laboratory of Medical Genetics, National & Kapodistrian University of Athens
Classification: Pathogenic for Wilson disease. Last evaluated: 2024-02-01. Review status: criteria provided, single submitter. Criteria: ACMG Guidelines, 2015. Collection method: curation. Allele origin: germline. Affected: no.

All of Us Research Program, National Institutes of Health
Classification: Pathogenic for Wilson disease. Last evaluated: 2023-12-13. Review status: criteria provided, single submitter. Criteria: ACMG Guidelines, 2015. Collection method: clinical testing. Allele origin: germline. Inheritance: Autosomal recessive inheritance. Observed: 2 variant alleles, 2 heterozygotes.
Comment: This variant changes 1 nucleotide in exon 2 of the ATP7B gene, creating a premature translation stop signal. This variant is expected to result in an absent or non-functional protein product. This variant has been reported in many individuals affected with Wilson disease (PMID: 8938442, 9801873, 15523622, 15845031, 18403153, 19172127, 22677543, 23518715). In several of these individuals, this variant was reported in the compound heterozygous or homozygous state (PMID: 15523622, 15845031). This variant has been identified in 7/248088 chromosomes in the general population by the Genome Aggregation Database (gnomAD). Loss of ATP7B function is a known mechanism of disease. Based on the available evidence, this variant is classified as Pathogenic.

This study involves interpretation of variants in research participants for the purpose of population health screening. Participant phenotype was not available at the time of variant classification. Additional details can be found in publication PMID: 35346344, PMCID: PMC8962531

Color Diagnostics, LLC DBA Color Health
Classification: Pathogenic for Wilson disease. Last evaluated: 2023-11-15. Review status: criteria provided, single submitter. Criteria: ACMG Guidelines, 2015. Collection method: clinical testing. Allele origin: germline.
Comment: This variant changes 1 nucleotide in exon 2 of the ATP7B gene, creating a premature translation stop signal. This variant is expected to result in an absent or non-functional protein product. This variant has been reported in many individuals affected with Wilson disease (PMID: 8938442, 9801873, 15523622, 15845031, 18403153, 19172127, 22677543, 23518715). In several of these individuals, this variant was reported in the compound heterozygous or homozygous state (PMID: 15523622, 15845031). This variant has been identified in 7/248088 chromosomes in the general population by the Genome Aggregation Database (gnomAD). Loss of ATP7B function is a known mechanism of disease. Based on the available evidence, this variant is classified as Pathogenic.

Blueprint Genetics
Classification: Pathogenic for ATP7B-related disorders. Last evaluated: 2023-08-29. Review status: criteria provided, single submitter. Criteria: ACMG Guidelines, 2015. Collection method: clinical testing. Allele origin: germline. Affected: yes. Observed: 3 variant alleles.

Genome-Nilou Lab
Classification: Pathogenic for Wilson disease. Last evaluated: 2021-08-10. Review status: criteria provided, single submitter. Criteria: ACMG Guidelines, 2015. Collection method: clinical testing. Allele origin: germline. Affected: no.

Laboratory for Molecular Medicine, Mass General Brigham Personalized Medicine
Classification: Pathogenic for Wilson disease. Last evaluated: 2020-06-11. Review status: criteria provided, single submitter. Criteria: ACMG Guidelines, 2015. Collection method: clinical testing. Allele origin: germline.
Comment: The p.Gln289X variant in ATP7B has been identified in several individuals with Wilson disease including at least 3 homozygotes and 4 compound heterozygotes (Bennet 2011, Bost 2012, Coffey 2013, Dedoussis 2005, Manolaki 2009, Mihaylova 2012, Panagiotakaki 2004, Waldenstrom 1996). It has been identified in 0.005% (6/112132) of European chromosomes by gnomAD, which is a low enough to be consistent with a recessive allele frequency. This nonsense variant leads to a premature termination codon at position 289, which is predicted to lead to a truncated or absent protein. Loss of function of the ATP7B gene is an established disease mechanism in autosomal recessive Wilson disease. In summary, this variant meets criteria to be classified as pathogenic for autosomal recessive Wilson disease. ACMG/AMP Criteria applied: PVS1, PM3_Strong, PM2, PP4.